The following is an entry in ClinVar:

NM_001080467.3(MYO5B):c.4459G>A (p.Asp1487Asn)

Genes: MYO5B (myosin VB; minus strand), SNHG22 (small nucleolar RNA host gene 22; plus strand). Cytogenetic location: 18q21.1.
Variant type: single nucleotide variant.
Coding change: c.4459G>A on transcript NM_001080467.3 (MANE Select); coding-DNA position 4459, G replaced by A.
Protein change: p.Asp1487Asn; replaces aspartic acid 1487 with asparagine.
Molecular consequence: missense variant.
Genome position (GRCh38, 1-based): chr18:49,847,146, C>T on the plus strand (G>A on the coding strand, the complement: MYO5B is on the minus strand). VCF-style: chr18-49847146-C-T. GRCh37 (hg19) VCF-style: chr18-47373516-C-T.
Other names: short protein forms D1487N.
Identifiers: ClinVar variation 1419432 (VCV001419432.4), dbSNP rs200737204, ClinGen allele CA8960368.

ClinVar aggregate classification (germline): Uncertain significance (1 of 4 stars; one submission).

Allele frequency attached by ClinVar (database versions not stated): gnomAD exomes 0.00001 and 0.00003; ExAC 0.00006; gnomAD 0.00013 and 0.00014; TOPMed 0.00015; ESP Exome Variant Server 0.00039.
gnomAD v4.1: 33 of 1,613,976 alleles (0.002%); highest among the groups gnomAD compares: African/African-American, 0.033%; no homozygotes.

Submission:

Labcorp Genetics (formerly Invitae), Labcorp
Classification: Uncertain significance. Last evaluated: 2023-05-22. Review status: criteria provided, single submitter. Criteria: Invitae Variant Classification Sherloc (09022015). Collection method: clinical testing. Allele origin: germline.
Comment: This variant has not been reported in the literature in individuals affected with MYO5B-related conditions. This sequence change replaces aspartic acid, which is acidic and polar, with asparagine, which is neutral and polar, at codon 1487 of the MYO5B protein (p.Asp1487Asn). This variant also falls at the last nucleotide of exon 33, which is part of the consensus splice site for this exon. This variant is present in population databases (rs200737204, gnomAD 0.05%). ClinVar contains an entry for this variant (Variation ID: 1419432). An algorithm developed to predict the effect of missense changes on protein structure and function (PolyPhen-2) suggests that this variant¬† is likely to be tolerated. Variants that disrupt the consensus splice site are a relatively common cause of aberrant splicing (PMID: 17576681, 9536098). In summary, the available evidence is currently insufficient to determine the role of this variant in disease. Therefore, it has been classified as a Variant of Uncertain Significance.

Literature cited by the submitters: PubMed 17576681; PubMed 9536098.